The following is an entry in ClinVar:

ClinVar aggregate classification (germline): Benign/Likely benign. Review status: criteria provided, multiple submitters, no conflicts (2 of 4 stars). 3 submissions from 3 submitters: Benign (1); Likely benign (2). Last evaluated 2025-08-31.

Conditions:
Hereditary cancer-predisposing syndrome. Also called: Hereditary Cancer Syndrome; Neoplastic Syndromes, Hereditary; Hereditary neoplastic syndrome; Tumor predisposition. Identifiers: Orphanet 140162, MedGen C0027672, MeSH D009386, MONDO:0015356.
Colorectal cancer, susceptibility to, 12 (CRCS12). Also called: COLORECTAL CANCER, SUSCEPTIBILITY TO, ON CHROMOSOME 12q24. Identifiers: Orphanet 220460, MedGen C3554460, MONDO:0014038, OMIM 615083.

Allele frequency attached by ClinVar (database versions not stated): gnomAD exomes below 0.00001.
gnomAD v4.1: 1 of 1,614,074 alleles (0.000062%); highest among the groups gnomAD compares: Non-Finnish European, 0.000085%; no homozygotes.

Submissions (3):

Labcorp Genetics (formerly Invitae), Labcorp
Classification: Likely benign. Last evaluated: 2025-08-31. Review status: criteria provided, single submitter. Criteria: Invitae Variant Classification Sherloc (09022015). Collection method: clinical testing. Allele origin: germline.

Myriad Genetics, Inc.
Classification: Benign for Colorectal cancer, susceptibility to, 12. Last evaluated: 2025-02-10. Review status: criteria provided, single submitter. Criteria: Myriad Autosomal Dominant, Autosomal Recessive and X-Linked Classification Criteria (2023). Collection method: clinical testing. Allele origin: unknown.
Comment: This variant is considered benign. This variant is a silent/synonymous amino acid change and it is not expected to impact splicing.

Ambry Genetics
Classification: Likely benign for Hereditary cancer-predisposing syndrome. Last evaluated: 2020-11-30. Review status: criteria provided, single submitter. Criteria: Ambry Variant Classification Scheme 2023. Collection method: clinical testing. Allele origin: germline.

NM_006231.4(POLE):c.1140T>G (p.Gly380=)

Gene: POLE (DNA polymerase epsilon, catalytic subunit; minus strand). Cytogenetic location: 12q24.33.
Variant type: single nucleotide variant.
Coding change: c.1140T>G on transcript NM_006231.4 (MANE Select); coding-DNA position 1140, T replaced by G.
Protein change: p.Gly380=; no amino-acid change (glycine 380 retained).
Molecular consequence: synonymous variant.
Genome position (GRCh38, 1-based): chr12:132,675,484, A>C on the plus strand (T>G on the coding strand, the complement: POLE is on the minus strand). VCF-style: chr12-132675484-A-C. GRCh37 (hg19) VCF-style: chr12-133252070-A-C.
Identifiers: ClinVar variation 1090858 (VCV001090858.12), dbSNP rs2043025937, ClinGen allele CA482849712.